The following is an entry in ClinVar:

NM_177438.3(DICER1):c.-5G>A

Gene: DICER1 (dicer 1, ribonuclease III; minus strand). Cytogenetic location: 14q32.13.
Variant type: single nucleotide variant.
Coding change: c.-5G>A on transcript NM_177438.3 (MANE Select); 5 bases upstream of the start codon, G replaced by A.
Molecular consequence: 5 prime UTR variant.
Genome position (GRCh38, 1-based): chr14:95,133,463, C>T on the plus strand (G>A on the coding strand, the complement: DICER1 is on the minus strand). VCF-style: chr14-95133463-C-T. GRCh37 (hg19) VCF-style: chr14-95599800-C-T.
Other names: c.-5G>A (NM_001195573.1, NM_001271282.3, NM_001291628.2 and 1 more transcripts).
Identifiers: ClinVar variation 826118 (VCV000826118.8), dbSNP rs747383554, ClinGen allele CA7331763.
Genomic context (GRCh38, chr14:95,133,463, plus strand): 5'-GGGGTCATGAGCTGCAGGCCTGCCATGCTGAGGGGTTGCAAAGCAGGGCTTTTCATTCAT[C>T]CAGTGTTTCTTTCATTGCATTTTTGTTCTAGCACAGCTTACTACAAAAGGGAAAAAGAAT-3'

ClinVar aggregate classification (germline): Uncertain significance. Review status: criteria provided, multiple submitters, no conflicts (2 of 4 stars). 3 submissions from 3 submitters: Uncertain significance (3). Last evaluated 2025-08-18.

Conditions:
Pleuropulmonary blastoma (PPB). Identifiers: Orphanet 64742, MedGen C1266144, MONDO:0011014, OMIM 601200, HP:0100528.
Euthyroid goiter (MNG1). Also called: GOITER, NONTOXIC, WITH INTRATHYROIDAL CALCIFICATION; MULTINODULAR GOITER, ADOLESCENT; SIMPLE GOITER; Goiter, multinodular 1, with or without Sertoli-Leydig cell tumors. Identifiers: Orphanet 276399, MedGen C0302859, MONDO:0007681, OMIM 138800, HP:0009798.
Rhabdomyosarcoma, embryonal, 2 (RMSE2). Identifiers: MedGen C1867234, MONDO:0859046, OMIM 180295.
Global developmental delay - lung cysts - overgrowth - Wilms tumor syndrome. Also called: GLOBAL DEVELOPMENTAL DELAY, LUNG CYSTS, OVERGROWTH, AND WILMS TUMOR; GLOW Syndrome. Identifiers: Orphanet 404476, MedGen C4748924, MONDO:0018445, OMIM 618272.
Hereditary cancer-predisposing syndrome. Also called: Neoplastic Syndromes, Hereditary; Tumor predisposition; Hereditary neoplastic syndrome; Hereditary Cancer Syndrome. Identifiers: Orphanet 140162, MedGen C0027672, MeSH D009386, MONDO:0015356.

Allele frequency attached by ClinVar (database versions not stated): gnomAD 0.00001; gnomAD exomes 0.00002; TOPMed 0.00002; ExAC 0.00004.
gnomAD v4.1: 26 of 1,610,906 alleles (0.0016%); highest among the groups gnomAD compares: Non-Finnish European, 0.00059%; no homozygotes.

Submissions (3):

Ambry Genetics
Classification: Uncertain significance for Hereditary cancer-predisposing syndrome. Last evaluated: 2025-08-18. Review status: criteria provided, single submitter. Criteria: Ambry Variant Classification Scheme 2023. Collection method: clinical testing. Allele origin: germline.
Comment: The c.-5G>A variant is located in the 5' untranslated region (5&rsquo; UTR) of the DICER1 gene. This variant results from a G to A substitution 5 bases upstream from the first translated codon. This nucleotide position is highly conserved in available vertebrate species. Based on the available evidence, the clinical significance of this variant remains unclear.

GeneDx
Classification: Uncertain significance. Last evaluated: 2024-05-17. Review status: criteria provided, single submitter. Criteria: GeneDx Variant Classification Process June 2021. Collection method: clinical testing. Allele origin: germline. Affected: yes.
Comment: Not observed at significant frequency in large population cohorts (gnomAD); Has not been previously published as pathogenic or benign to our knowledge

Fulgent Genetics
Classification: Uncertain significance for Euthyroid goiter; Rhabdomyosarcoma, embryonal, 2; Pleuropulmonary blastoma; Global developmental delay - lung cysts - overgrowth - Wilms tumor syndrome. Last evaluated: 2024-01-25. Review status: criteria provided, single submitter. Criteria: ACMG Guidelines, 2015. Collection method: clinical testing. Allele origin: germline.